The following is an entry in ClinVar:

NM_024876.4(COQ8B):c.1156G>A (p.Asp386Asn)

Gene: COQ8B (coenzyme Q8B; minus strand). Cytogenetic location: 19q13.2.
Variant type: single nucleotide variant.
Coding change: c.1156G>A on transcript NM_024876.4 (MANE Select); coding-DNA position 1156, G replaced by A.
Protein change: p.Asp386Asn; replaces aspartic acid 386 with asparagine.
Molecular consequence: missense variant.
Genome position (GRCh38, 1-based): chr19:40,696,042, C>T on the plus strand (G>A on the coding strand, the complement: COQ8B is on the minus strand). VCF-style: chr19-40696042-C-T. GRCh37 (hg19) VCF-style: chr19-41201947-C-T.
Other names: c.1033G>A, p.Asp345Asn (NM_001142555.3); short protein forms D345N, D386N.
Identifiers: ClinVar variation 3257711 (VCV003257711.3).
Genomic context (GRCh38, chr19:40,696,042, plus strand): 5'-GACTCACCTCGATGTAATGGTCTGTGAACTCTGTCCCAAACTCCCGGCTTGCACCAAAGT[C>T]CAGCAGGGTCACCTGGAAGCAAGGAATGGTGAAAGGAATGCTGGGATCCCATTCACACCC-3'
Protein context (NP_079152.3, residues 376-396): DASSHQVTLL[Asp386Asn]FGASREFGTE

ClinVar aggregate classification (germline): Likely pathogenic (1 of 4 stars; one submission).

Conditions:
Retinitis pigmentosa (RP). Identifiers: Orphanet 791, MedGen C0035334, MeSH D012174, MONDO:0019200, OMIM 268000. Inheritance: Autosomal dominant, autosomal recessive and X linked inheritance.

Submission:

Ophthalmic Genetics Group, Institute of Molecular and Clinical Ophthalmology Basel
Classification: Likely pathogenic for Retinitis pigmentosa. Last evaluated: 2024-07-12. Review status: criteria provided, single submitter. Criteria: ACMG Guidelines, 2015. Collection method: research, in vitro. Allele origin: inherited, not applicable. Inheritance: Autosomal recessive inheritance. Affected: yes. Observed: 1 compound heterozygote. Functional consequence: effect on protein interaction.
Comment: Aspartate 386 is a very conserved amino acid residue across various species, up to budding yeast, residing within the kinase-like domain of COQ8B. The p.(Asp386Asn) variant is absent from the gnomAD. Different in silico tools provided a very high pathogenicity value for this change.

Literature cited by the submitters: PubMed 39226897.